The following is an entry in ClinVar:

ClinVar aggregate classification (germline): Uncertain significance (1 of 4 stars; one submission).

Submission:

GeneDx
Classification: Uncertain significance. Last evaluated: 2022-03-19. Review status: criteria provided, single submitter. Criteria: GeneDx Variant Classification Process June 2021. Collection method: clinical testing. Allele origin: germline. Affected: yes.
Comment: Not observed at significant frequency in large population cohorts (gnomAD); Nonsense variant predicted to result in protein truncation or nonsense mediated decay in a gene or region of a gene for which loss of function is not a well-established mechanism of disease; Has not been previously published as pathogenic or benign to our knowledge

NM_022841.7(RFX7):c.701T>G (p.Leu234Ter)

Gene: RFX7 (regulatory factor X7; minus strand). Cytogenetic location: 15q21.3.
Variant type: single nucleotide variant.
Coding change: c.701T>G on transcript NM_022841.7 (MANE Select); coding-DNA position 701, T replaced by G.
Protein change: p.Leu234Ter; replaces leucine 234 with a stop codon.
Molecular consequence: nonsense.
Genome position (GRCh38, 1-based): chr15:56,101,469, A>C on the plus strand (T>G on the coding strand, the complement: RFX7 is on the minus strand). VCF-style: chr15-56101469-A-C. GRCh37 (hg19) VCF-style: chr15-56393667-A-C.
Other names: c.410T>G, p.Leu137Ter (NM_001368073.2, NM_001368074.1, NM_001370554.1); c.701T>G, p.Leu234Ter (NM_001370561.1); short protein forms L137*, L234*.
Identifiers: ClinVar variation 1707023 (VCV001707023.2), dbSNP rs2504998074, ClinGen allele CA392587510.